The following is an entry in ClinVar:

NM_014714.4(IFT140):c.2323G>A (p.Ala775Thr)

Gene: IFT140 (intraflagellar transport 140; minus strand). Cytogenetic location: 16p13.3.
Variant type: single nucleotide variant.
Coding change: c.2323G>A on transcript NM_014714.4 (MANE Select); coding-DNA position 2323, G replaced by A.
Protein change: p.Ala775Thr; replaces alanine 775 with threonine.
Molecular consequence: missense variant.
Genome position (GRCh38, 1-based): chr16:1,558,011, C>T on the plus strand (G>A on the coding strand, the complement: IFT140 is on the minus strand). VCF-style: chr16-1558011-C-T. GRCh37 (hg19) VCF-style: chr16-1608012-C-T.
Other names: short protein forms A775T.
Identifiers: ClinVar variation 1035939 (VCV001035939.8), dbSNP rs771255082, ClinGen allele CA7813937.

ClinVar aggregate classification (germline): Uncertain significance. Review status: criteria provided, multiple submitters, no conflicts (2 of 4 stars). 2 submissions from 2 submitters: Uncertain significance (2). Last evaluated 2025-12-26.

Conditions:
Saldino-Mainzer syndrome (SRTD9). Also called: Renal dysplasia, retinal pigmentary dystrophy, cerebellar ataxia and skeletal dysplasia; SHORT-RIB THORACIC DYSPLASIA 9 WITHOUT POLYDACTYLY; CONORENAL SYNDROME; short-rib thoracic dysplasia 9 with or without polydactyly. Identifiers: Orphanet 140969, MedGen C1849437, MONDO:0009964, OMIM 266920.

Allele frequency attached by ClinVar (database versions not stated): gnomAD 0.00001; TOPMed 0.00002; ExAC 0.00005; gnomAD exomes 0.00006.
gnomAD v4.1: 42 of 1,613,828 alleles (0.0026%); highest among the groups gnomAD compares: South Asian, 0.014%; no homozygotes.

Submissions (2):

Labcorp Genetics (formerly Invitae), Labcorp
Classification: Uncertain significance for Saldino-Mainzer syndrome. Last evaluated: 2025-12-26. Review status: criteria provided, single submitter. Criteria: Invitae Variant Classification Sherloc (09022015). Collection method: clinical testing. Allele origin: germline.
Comment: This sequence change replaces alanine, which is neutral and non-polar, with threonine, which is neutral and polar, at codon 775 of the IFT140 protein (p.Ala775Thr). This variant is present in population databases (rs771255082, gnomAD 0.01%). This variant has not been reported in the literature in individuals affected with IFT140-related conditions. ClinVar contains an entry for this variant (Variation ID: 1035939). Invitae Evidence Modeling of protein sequence and biophysical properties (such as structural, functional, and spatial information, amino acid conservation, physicochemical variation, residue mobility, and thermodynamic stability) has been performed for this missense variant. However, the output from this modeling did not meet the statistical confidence thresholds required to predict the impact of this variant on IFT140 protein function. In summary, the available evidence is currently insufficient to determine the role of this variant in disease. Therefore, it has been classified as a Variant of Uncertain Significance.

Blueprint Genetics
Classification: Uncertain significance. Last evaluated: 2024-10-30. Review status: criteria provided, single submitter. Criteria: ACMG Guidelines, 2015. Collection method: clinical testing. Allele origin: germline.